The following is an entry in ClinVar:

ClinVar aggregate classification (germline): Conflicting classifications of pathogenicity. Review status: criteria provided, conflicting classifications (1 of 4 stars). 6 submissions from 6 submitters: Uncertain significance (2); Likely benign (3). 1 of the submissions does not count toward it. Last evaluated 2026-01-19.

Conditions:
IGF1R-related disorder. Also called: IGF1R-related condition.
Growth delay due to insulin-like growth factor I resistance. Also called: Somatomedin end-organ insensitivity to; Somatomedin-c resistance to; IGF-1 resistance; Insulin-Like Growth Factor I Resistance; IGF-I RESISTANCE. Identifiers: Orphanet 73273, MedGen C1849157, MONDO:0010038, OMIM 270450.

Allele frequency attached by ClinVar (database versions not stated): 1000 Genomes Project 30x 0.00016; TOPMed 0.00028.
gnomAD v4.1: 276 of 1,608,332 alleles (0.017%); highest among the groups gnomAD compares: Admixed American, 0.055%; 1 homozygote.

Submissions (6):

Labcorp Genetics (formerly Invitae), Labcorp
Classification: Likely benign. Last evaluated: 2026-01-19. Review status: criteria provided, single submitter. Criteria: Invitae Variant Classification Sherloc (09022015). Collection method: clinical testing. Allele origin: germline.

Blueprint Genetics
Classification: Likely benign. Last evaluated: 2024-05-24. Review status: criteria provided, single submitter. Criteria: ACMG Guidelines, 2015. Collection method: clinical testing. Allele origin: germline.

CeGaT Center for Human Genetics Tuebingen
Classification: Likely benign. Last evaluated: 2023-11-01. Review status: criteria provided, single submitter. Criteria: CeGaT Center For Human Genetics Tuebingen Variant Classification Criteria Version 2. Collection method: clinical testing. Allele origin: germline. Affected: yes. Observed: 1 variant allele.
Comment: IGF1R: BP4, BP7

Illumina Laboratory Services, Illumina
Classification: Uncertain significance for Growth delay due to insulin-like growth factor I resistance. Last evaluated: 2018-01-13. Review status: criteria provided, single submitter. Criteria: ICSL Variant Classification Criteria 13 December 2019. Collection method: clinical testing. Allele origin: germline.

Eurofins Ntd Llc (ga)
Classification: Uncertain significance. Last evaluated: 2016-10-10. Review status: criteria provided, single submitter. Criteria: EGL Classification Definitions 2015. Collection method: clinical testing. Allele origin: germline. Observed: 1 variant allele, 1 heterozygote.

PreventionGenetics, part of Exact Sciences
Classification: Likely benign for IGF1R-related condition. Last evaluated: 2020-03-11. Review status: no assertion criteria provided. Collection method: clinical testing. Allele origin: germline. Not counted in ClinVar's aggregate classification.
Comment: This variant is classified as likely benign based on ACMG/AMP sequence variant interpretation guidelines (Richards et al. 2015 PMID: 25741868, with internal and published modifications).

NM_000875.5(IGF1R):c.885G>T (p.Gly295=)

Gene: IGF1R (insulin like growth factor 1 receptor; plus strand). Cytogenetic location: 15q26.3.
Variant type: single nucleotide variant.
Coding change: c.885G>T on transcript NM_000875.5 (MANE Select); coding-DNA position 885, G replaced by T.
Protein change: p.Gly295=; no amino-acid change (glycine 295 retained).
Molecular consequence: synonymous variant.
Genome position (GRCh38, 1-based): chr15:98,891,569, G>T. VCF-style: chr15-98891569-G-T. GRCh37 (hg19) VCF-style: chr15-99434798-G-T.
Other names: c.885G>T, p.Gly295= (NM_001291858.2); c.885G>T (NM_000875.4).
Identifiers: ClinVar variation 497693 (VCV000497693.38), dbSNP rs56303650, ClinGen allele CA7751933.